The following is an entry in ClinVar:

ClinVar aggregate classification (germline): Likely pathogenic (1 of 4 stars; one submission).

Allele frequency attached by ClinVar (database versions not stated): TOPMed below 0.00001.
gnomAD v4.1: 1 of 1,613,718 alleles (0.000062%); no homozygotes.

Submission:

Labcorp Genetics (formerly Invitae), Labcorp
Classification: Likely pathogenic. Last evaluated: 2021-03-12. Review status: criteria provided, single submitter. Criteria: Invitae Variant Classification Sherloc (09022015). Collection method: clinical testing. Allele origin: germline.
Comment: In summary, the currently available evidence indicates that the variant is pathogenic, but additional data are needed to prove that conclusively. Therefore, this variant has been classified as Likely Pathogenic. Algorithms developed to predict the effect of sequence changes on RNA splicing suggest that this variant may disrupt the consensus splice site, but this prediction has not been confirmed by published transcriptional studies. This variant has been observed in individual(s) with clinical feature of Usher syndrome (PMID: 25468891, Invitae). This variant is not present in population databases (ExAC no frequency). This sequence change affects a donor splice site in intron 40 of the CDH23 gene. It is expected to disrupt RNA splicing. Variants that disrupt the donor or acceptor splice site typically lead to a loss of protein function (PMID: 16199547), and loss-of-function variants in CDH23 are known to be pathogenic (PMID: 11138009, 21940737).

Literature cited by the submitters: PubMed 25468891; PubMed 16199547; PubMed 11138009; PubMed 21940737.

NM_022124.6(CDH23):c.5187+2T>C

Gene: CDH23 (cadherin related 23; plus strand). Cytogenetic location: 10q22.1.
Variant type: single nucleotide variant.
Coding change: c.5187+2T>C on transcript NM_022124.6 (MANE Select); the canonical splice donor site of the intron after coding-DNA position 5187, T replaced by C.
Molecular consequence: splice donor variant.
Genome position (GRCh38, 1-based): chr10:71,778,310, T>C. VCF-style: chr10-71778310-T-C. GRCh37 (hg19) VCF-style: chr10-73538067-T-C.
Identifiers: ClinVar variation 1476780 (VCV001476780.8), dbSNP rs986154966, ClinGen allele CA209452360.